The following is an entry in ClinVar:

NM_014317.5(PDSS1):c.1099G>A (p.Val367Ile)

Gene: PDSS1 (decaprenyl diphosphate synthase subunit 1; plus strand). Cytogenetic location: 10p12.1.
Variant type: single nucleotide variant.
Coding change: c.1099G>A on transcript NM_014317.5 (MANE Select); coding-DNA position 1099, G replaced by A.
Protein change: p.Val367Ile; replaces valine 367 with isoleucine.
Molecular consequence: missense variant.
Genome position (GRCh38, 1-based): chr10:26,742,569, G>A. VCF-style: chr10-26742569-G-A. GRCh37 (hg19) VCF-style: chr10-27031498-G-A.
Other names: c.908G>A, p.Cys303Tyr (NM_001321978.2); c.589G>A, p.Val197Ile (NM_001321979.2); short protein forms V367I, V197I, C303Y.
Identifiers: ClinVar variation 879950 (VCV000879950.13), dbSNP rs752338178, ClinGen allele CA5447123.

ClinVar aggregate classification (germline): Uncertain significance. Review status: criteria provided, multiple submitters, no conflicts (2 of 4 stars). 5 submissions from 5 submitters: Uncertain significance (5). Last evaluated 2025-03-30.

Conditions:
Deafness-encephaloneuropathy-obesity-valvulopathy syndrome. Identifiers: Orphanet 254898, MedGen C3553354, MONDO:0013837, OMIM 614651.

Allele frequency attached by ClinVar (database versions not stated): ExAC 0.00001; TOPMed 0.00002; gnomAD 0.00001; gnomAD exomes 0.00001 and 0.00002.
gnomAD v4.1: 23 of 1,597,450 alleles (0.0014%); highest among the groups gnomAD compares: Non-Finnish European, 0.0019%; no homozygotes.

Submissions (5):

GeneDx
Classification: Uncertain significance. Last evaluated: 2025-03-30. Review status: criteria provided, single submitter. Criteria: GeneDx Variant Classification Process June 2021. Collection method: clinical testing. Allele origin: germline. Affected: yes.
Comment: Not observed at significant frequency in large population cohorts (gnomAD); In silico analysis indicates that this missense variant does not alter protein structure/function; Has not been previously published as pathogenic or benign to our knowledge

Blueprint Genetics
Classification: Uncertain significance. Last evaluated: 2021-11-23. Review status: criteria provided, single submitter. Criteria: ACMG Guidelines, 2015. Collection method: clinical testing. Allele origin: germline.

Fulgent Genetics
Classification: Uncertain significance for Deafness-encephaloneuropathy-obesity-valvulopathy syndrome. Last evaluated: 2021-09-28. Review status: criteria provided, single submitter. Criteria: ACMG Guidelines, 2015. Collection method: clinical testing. Allele origin: unknown.

Labcorp Genetics (formerly Invitae), Labcorp
Classification: Uncertain significance. Last evaluated: 2021-03-24. Review status: criteria provided, single submitter. Criteria: Invitae Variant Classification Sherloc (09022015). Collection method: clinical testing. Allele origin: germline.
Comment: In summary, the available evidence is currently insufficient to determine the role of this variant in disease. Therefore, it has been classified as a Variant of Uncertain Significance. Algorithms developed to predict the effect of missense changes on protein structure and function are either unavailable or do not agree on the potential impact of this missense change (SIFT: "Not Available"; PolyPhen-2: "Benign"; Align-GVGD: "Not Available"). This variant has not been reported in the literature in individuals with PDSS1-related conditions. ClinVar contains an entry for this variant (Variation ID: 879950). This variant is present in population databases (rs752338178, ExAC 0.002%). This sequence change replaces valine with isoleucine at codon 367 of the PDSS1 protein (p.Val367Ile). The valine residue is highly conserved and there is a small physicochemical difference between valine and isoleucine.

Illumina Laboratory Services, Illumina
Classification: Uncertain significance for Deafness-encephaloneuropathy-obesity-valvulopathy syndrome. Last evaluated: 2018-01-13. Review status: criteria provided, single submitter. Criteria: ICSL Variant Classification Criteria 13 December 2019. Collection method: clinical testing. Allele origin: germline.